The following is an entry in ClinVar:

NM_025074.7(FRAS1):c.10002G>A (p.Glu3334=)

Gene: FRAS1 (Fraser extracellular matrix complex subunit 1; plus strand). Cytogenetic location: 4q21.21.
Variant type: single nucleotide variant.
Coding change: c.10002G>A on transcript NM_025074.7 (MANE Select); coding-DNA position 10002, G replaced by A.
Protein change: p.Glu3334=; no amino-acid change (glutamic acid 3334 retained).
Molecular consequence: synonymous variant.
Genome position (GRCh38, 1-based): chr4:78,511,495, G>A. VCF-style: chr4-78511495-G-A. GRCh37 (hg19) VCF-style: chr4-79432649-G-A.
Identifiers: ClinVar variation 349792 (VCV000349792.15), dbSNP rs80346282, ClinGen allele CA2978817.
Genomic context (GRCh38, chr4:78,511,495, plus strand): 5'-AGGCTTCCAGGCTCAGTCCTTCATCGCAACCTTGAAATACCTGGATGTCAAACATAAGGA[G>A]CATCCGAACAGGTCAGGCAGGTGGTGCCTTCCACCACACATAGATTGAAGTGAATCTCAG-3'
Protein context (NP_079350.5, residues 3324-3344): TLKYLDVKHK[Glu3334=]HPNRIHISVQ

ClinVar aggregate classification (germline): Benign. Review status: criteria provided, multiple submitters, no conflicts (2 of 4 stars). 3 submissions from 3 submitters: Benign (3). Last evaluated 2026-02-01.

Conditions:
Fraser syndrome 1 (FRASRS1). Also called: CRYPTOPHTHALMOS WITH OTHER MALFORMATIONS. Identifiers: Orphanet 2052, MedGen C4551480, MONDO:0054737, OMIM 219000.

Allele frequency attached by ClinVar (database versions not stated): gnomAD exomes 0.00083 and 0.00215; ExAC 0.00312; gnomAD 0.00859 and 0.00915; ESP Exome Variant Server 0.00880; TOPMed 0.00947; 1000 Genomes Project 0.01178; 1000 Genomes Project 30x 0.01187.
gnomAD v4.1: 2,574 of 1,613,176 alleles (0.16%); highest among the groups gnomAD compares: African/African-American, 3%; 34 homozygotes.

Submissions (3):

Labcorp Genetics (formerly Invitae), Labcorp
Classification: Benign. Last evaluated: 2026-02-01. Review status: criteria provided, single submitter. Criteria: Invitae Variant Classification Sherloc (09022015). Collection method: clinical testing. Allele origin: germline.

Illumina Laboratory Services, Illumina
Classification: Benign for Fraser syndrome 1. Last evaluated: 2018-01-13. Review status: criteria provided, single submitter. Criteria: ICSL Variant Classification Criteria 13 December 2019. Collection method: clinical testing. Allele origin: germline.
Comment: This variant was observed in the ICSL laboratory as part of a predisposition screen in an ostensibly healthy population. It had not been previously curated by ICSL or reported in the Human Gene Mutation Database (HGMD: prior to June 1st, 2018), and was therefore a candidate for classification through an automated scoring system. Utilizing variant allele frequency, disease prevalence and penetrance estimates, and inheritance mode, an automated score was calculated to assess if this variant is too frequent to cause the disease. Based on the score and internal cut-off values, a variant classified as benign is not then subjected to further curation. The score for this variant resulted in a classification of benign for this disease.

Breakthrough Genomics
Classification: Benign. Review status: criteria provided, single submitter. Criteria: ACMG Guidelines, 2015. Collection method: not provided. Allele origin: germline. Inheritance: Autosomal recessive inheritance. Affected: yes.